The following is an entry in ClinVar:

NM_001377265.1(MAPT):c.2262C>T (p.His754=)

Gene: MAPT (microtubule associated protein tau). Cytogenetic location: 17q21.31.
Variant type: single nucleotide variant.
Coding change: c.2262C>T on transcript NM_001377265.1 (MANE Select); coding-DNA position 2262, C replaced by T.
Protein change: p.His754=; no amino-acid change (histidine 754 retained).
Molecular consequence: synonymous variant. On other transcripts: non-coding transcript variant (1), intron variant (1).
Genome position (GRCh38, 1-based): chr17:46,018,706, C>T. VCF-style: chr17-46018706-C-T. GRCh37 (hg19) VCF-style: chr17-44096072-C-T.
Other names: c.2091C>T, p.His697= (NM_001123066.4); c.999C>T, p.His333= (NM_001123067.4); c.906C>T, p.His302= (NM_001203251.2); c.993C>T, p.His331= (NM_001203252.2); c.1971C>T, p.His657= (NM_001377266.1); c.819C>T, p.His273= (NM_001377268.1, NM_016841.5); c.1086C>T, p.His362= (NM_005910.6); c.912C>T, p.His304= (NM_016834.5); and 2 more.
Identifiers: ClinVar variation 1568154 (VCV001568154.16), dbSNP rs747658161, ClinGen allele CA8618230.

ClinVar aggregate classification (germline): Likely benign. Review status: criteria provided, multiple submitters, no conflicts (2 of 4 stars). 3 submissions from 3 submitters: Likely benign (3). Last evaluated 2026-05-27.

Conditions:
Frontotemporal dementia (FTD1). Also called: Frontotemporal Dementia with Parkinsonism-17 (FTDP-17); Frontotemporal lobe dementia (FLDEM); FRONTOTEMPORAL DEMENTIA WITH PARKINSONISM; FRONTOTEMPORAL LOBE DEMENTIA; FRONTOTEMPORAL LOBAR DEGENERATION WITH TAU INCLUSIONS; FTLD WITH TAU INCLUSIONS. Identifiers: Orphanet 282, MedGen C0338451, MONDO:0017276, OMIM 600274, HP:0002145.

Allele frequency attached by ClinVar (database versions not stated): gnomAD exomes 0.00004 and 0.00007; ExAC 0.00005; TOPMed 0.00011; gnomAD 0.00012 and 0.00013.
gnomAD v4.1: 119 of 1,613,822 alleles (0.0074%); highest among the groups gnomAD compares: African/African-American, 0.037%; no homozygotes.

Submissions (3):

Women's Health and Genetics/Laboratory Corporation of America, LabCorp
Classification: Likely benign. Last evaluated: 2026-05-27. Review status: criteria provided, single submitter. Criteria: LabCorp Variant Classification Summary - May 2015. Collection method: clinical testing. Allele origin: germline.

CeGaT Center for Human Genetics Tuebingen
Classification: Likely benign. Last evaluated: 2025-05-01. Review status: criteria provided, single submitter. Criteria: CeGaT Center For Human Genetics Tuebingen Variant Classification Criteria Version 2. Collection method: clinical testing. Allele origin: germline. Affected: yes. Observed: 1 variant allele.
Comment: MAPT: BP4, BP7

Labcorp Genetics (formerly Invitae), Labcorp
Classification: Likely benign for Frontotemporal dementia. Last evaluated: 2022-02-27. Review status: criteria provided, single submitter. Criteria: Invitae Variant Classification Sherloc (09022015). Collection method: clinical testing. Allele origin: germline.